The following is an entry in ClinVar:

NM_001166108.2(PALLD):c.2285T>C (p.Ile762Thr)

Genes: CBR4 (carbonyl reductase 4; minus strand), PALLD (palladin, cytoskeletal associated protein; plus strand). Cytogenetic location: 4q32.3.
Variant type: single nucleotide variant.
Coding change: c.2285T>C on transcript NM_001166108.2 (MANE Select); coding-DNA position 2285, T replaced by C.
Protein change: p.Ile762Thr; replaces isoleucine 762 with threonine.
Molecular consequence: missense variant.
Genome position (GRCh38, 1-based): chr4:168,898,527, T>C. VCF-style: chr4-168898527-T-C. GRCh37 (hg19) VCF-style: chr4-169819678-T-C.
Other names: c.1088T>C, p.Ile363Thr (NM_001166109.2); c.773T>C, p.Ile258Thr (NM_001166110.2); c.113T>C, p.Ile38Thr (NM_001367567.1, NM_001367569.1); c.164T>C, p.Ile55Thr (NM_001367568.1, NM_001367570.1); c.2234T>C, p.Ile745Thr (NM_016081.4); c.2234T>C (NM_016081.3); short protein forms I258T, I38T, I363T, I55T, I762T, I745T.
Identifiers: ClinVar variation 662736 (VCV000662736.11), dbSNP rs757164572, ClinGen allele CA3135866.

ClinVar aggregate classification (germline): Uncertain significance. Review status: criteria provided, multiple submitters, no conflicts (2 of 4 stars). 3 submissions from 2 submitters: Uncertain significance (3). Last evaluated 2022-11-10.

Conditions:
Inborn genetic diseases. Identifiers: MedGen C0950123, MeSH D030342.
Pancreatic adenocarcinoma. Identifiers: MedGen C0281361, MONDO:0006047, HP:0006725.
Hereditary cancer-predisposing syndrome. Also called: Neoplastic Syndromes, Hereditary; Tumor predisposition; Hereditary neoplastic syndrome; Hereditary Cancer Syndrome. Identifiers: Orphanet 140162, MedGen C0027672, MeSH D009386, MONDO:0015356.

Allele frequency attached by ClinVar (database versions not stated): gnomAD exomes 0.00001; ExAC 0.00002; gnomAD 0.00002; TOPMed 0.00002.
gnomAD v4.1: 26 of 1,613,418 alleles (0.0016%); highest among the groups gnomAD compares: Admixed American, 0.0033%; no homozygotes.

Submissions (3):

Ambry Genetics
Classification: Uncertain significance for Hereditary cancer-predisposing syndrome. Last evaluated: 2022-11-10. Review status: criteria provided, single submitter. Criteria: Ambry General Variant Classification Scheme_2022. Collection method: clinical testing. Allele origin: germline.
Comment: The p.I745T variant (also known as c.2234T>C), located in coding exon 12 of the PALLD gene, results from a T to C substitution at nucleotide position 2234. The isoleucine at codon 745 is replaced by threonine, an amino acid with similar properties. This amino acid position is conserved. In addition, the in silico prediction for this alteration is inconclusive. Since supporting evidence is limited at this time, the clinical significance of this alteration remains unclear.

Ambry Genetics
Classification: Uncertain significance for Inborn genetic diseases. Last evaluated: 2022-08-01. Review status: criteria provided, single submitter. Criteria: Ambry General Variant Classification Scheme_2022. Collection method: clinical testing. Allele origin: germline. Observed: 1 variant allele.

Labcorp Genetics (formerly Invitae), Labcorp
Classification: Uncertain significance for Pancreatic adenocarcinoma. Last evaluated: 2021-07-23. Review status: criteria provided, single submitter. Criteria: Invitae Variant Classification Sherloc (09022015). Collection method: clinical testing. Allele origin: germline.
Comment: In summary, the available evidence is currently insufficient to determine the role of this variant in disease. Therefore, it has been classified as a Variant of Uncertain Significance. Algorithms developed to predict the effect of missense changes on protein structure and function are either unavailable or do not agree on the potential impact of this missense change (SIFT: "Deleterious"; PolyPhen-2: "Benign"; Align-GVGD: "Class C65"). This variant has not been reported in the literature in individuals with PALLD-related disease. This variant is present in population databases (rs757164572, ExAC 0.003%). This sequence change replaces isoleucine with threonine at codon 258 of the PALLD protein (p.Ile258Thr). The isoleucine residue is highly conserved and there is a moderate physicochemical difference between isoleucine and threonine.